The following is an entry in ClinVar:

ClinVar aggregate classification (germline): Uncertain significance. Review status: criteria provided, multiple submitters, no conflicts (2 of 4 stars). 2 submissions from 2 submitters: Uncertain significance (2). Last evaluated 2024-06-19.

Conditions:
Nephrolithiasis/nephrocalcinosis. Identifiers: MedGen CN580796.
Familial hypocalciuric hypercalcemia (FHH). Also called: Familial benign hypercalcemia. Identifiers: Orphanet 405, MedGen C1809471, MONDO:0018458.
Autosomal dominant hypocalcemia 1 (HYPOC1). Also called: HYPOCALCEMIA, FAMILIAL. Identifiers: MedGen C3715128, MONDO:0011013, OMIM 601198.

Submissions (2):

Labcorp Genetics (formerly Invitae), Labcorp
Classification: Uncertain significance for Familial hypocalciuric hypercalcemia; Autosomal dominant hypocalcemia 1. Last evaluated: 2024-06-19. Review status: criteria provided, single submitter. Criteria: Invitae Variant Classification Sherloc (09022015). Collection method: clinical testing. Allele origin: germline.
Comment: This sequence change replaces glutamic acid, which is acidic and polar, with aspartic acid, which is acidic and polar, at codon 1049 of the CASR protein (p.Glu1049Asp). This variant is not present in population databases (gnomAD no frequency). This variant has not been reported in the literature in individuals affected with CASR-related conditions. ClinVar contains an entry for this variant (Variation ID: 1728139). Algorithms developed to predict the effect of missense changes on protein structure and function output the following: SIFT: "Not Available"; PolyPhen-2: "Probably Damaging"; Align-GVGD: "Not Available". The aspartic acid amino acid residue is found in multiple mammalian species, which suggests that this missense change does not adversely affect protein function. In summary, the available evidence is currently insufficient to determine the role of this variant in disease. Therefore, it has been classified as a Variant of Uncertain Significance.

Ambry Genetics
Classification: Uncertain significance for Nephrolithiasis/nephrocalcinosis. Last evaluated: 2022-06-07. Review status: criteria provided, single submitter. Criteria: Ambry Variant Classification Scheme 2023. Collection method: clinical testing. Allele origin: germline.
Comment: The p.E1049D variant (also known as c.3147G>T), located in coding exon 6 of the CASR gene, results from a G to T substitution at nucleotide position 3147. The glutamic acid at codon 1049 is replaced by aspartic acid, an amino acid with highly similar properties. This amino acid position is conserved. In addition, this alteration is predicted to be tolerated by in silico analysis. Since supporting evidence is limited at this time, the clinical significance of this alteration remains unclear.

NM_000388.4(CASR):c.3147G>T (p.Glu1049Asp)

Gene: CASR (calcium sensing receptor; plus strand). Cytogenetic location: 3q21.1.
Variant type: single nucleotide variant.
Coding change: c.3147G>T on transcript NM_000388.4 (MANE Select); coding-DNA position 3147, G replaced by T.
Protein change: p.Glu1049Asp; replaces glutamic acid 1049 with aspartic acid.
Molecular consequence: missense variant.
Genome position (GRCh38, 1-based): chr3:122,285,101, G>T. VCF-style: chr3-122285101-G-T. GRCh37 (hg19) VCF-style: chr3-122003948-G-T.
Other names: c.3177G>T, p.Glu1059Asp (NM_001178065.2); short protein forms E1049D, E1059D.
Identifiers: ClinVar variation 1728139 (VCV001728139.4), dbSNP rs2473283988, ClinGen allele CA354161589.
Genomic context (GRCh38, chr3:122,285,101, plus strand): 5'-AACAGGTCTGCAAGGACCTGTGGGTGGAGACCAGCGGCCAGAGGTGGAGGACCCTGAAGA[G>T]TTGTCCCCAGCACTTGTAGTGTCCAGTTCACAGAGCTTTGTCATCAGTGGTGGAGGCAGC-3'
Protein context (NP_000379.3, residues 1039-1059): DQRPEVEDPE[Glu1049Asp]LSPALVVSSS